The following is an entry in ClinVar:

ClinVar aggregate classification (germline): Uncertain significance (1 of 4 stars; one submission).

Conditions:
Perlman syndrome (PRLMNS). Identifiers: Orphanet 2849, MedGen C0796113, MONDO:0009965, OMIM 267000.

Submission:

Labcorp Genetics (formerly Invitae), Labcorp
Classification: Uncertain significance for Perlman syndrome. Last evaluated: 2025-11-10. Review status: criteria provided, single submitter. Criteria: Invitae Variant Classification Sherloc (09022015). Collection method: clinical testing. Allele origin: germline.
Comment: This sequence change replaces threonine, which is neutral and polar, with serine, which is neutral and polar, at codon 835 of the DIS3L2 protein (p.Thr835Ser). This variant is not present in population databases (gnomAD no frequency). This variant has not been reported in the literature in individuals affected with DIS3L2-related conditions. ClinVar contains an entry for this variant (Variation ID: 567575). Invitae Evidence Modeling of protein sequence and biophysical properties (such as structural, functional, and spatial information, amino acid conservation, physicochemical variation, residue mobility, and thermodynamic stability) indicates that this missense variant is not expected to disrupt DIS3L2 protein function with a negative predictive value of 80%. In summary, the available evidence is currently insufficient to determine the role of this variant in disease. Therefore, it has been classified as a Variant of Uncertain Significance.

NM_152383.5(DIS3L2):c.2504C>G (p.Thr835Ser)

Gene: DIS3L2 (DIS3 like 3'-5' exoribonuclease 2; plus strand). Cytogenetic location: 2q37.1.
Variant type: single nucleotide variant.
Coding change: c.2504C>G on transcript NM_152383.5 (MANE Select); coding-DNA position 2504, C replaced by G.
Protein change: p.Thr835Ser; replaces threonine 835 with serine.
Molecular consequence: missense variant. On other transcripts: non-coding transcript variant (2), intron variant (1).
Genome position (GRCh38, 1-based): chr2:232,336,476, C>G. VCF-style: chr2-232336476-C-G. GRCh37 (hg19) VCF-style: chr2-233201186-C-G.
Other names: c.1582-6869C>G (NM_001257281.2); short protein forms T835S.
Identifiers: ClinVar variation 567575 (VCV000567575.8), dbSNP rs1559221632, ClinGen allele CA350978848.